The following is an entry in ClinVar:

ClinVar aggregate classification (germline): Likely benign. Review status: criteria provided, multiple submitters, no conflicts (2 of 4 stars). 2 submissions from 2 submitters: Likely benign (2). Last evaluated 2023-01-01.

Allele frequency attached by ClinVar (database versions not stated): gnomAD exomes 0.00002 and 0.00007; gnomAD 0.00003 and 0.00004; TOPMed 0.00006; ExAC 0.00008; ESP Exome Variant Server 0.00008.
gnomAD v4.1: 40 of 1,614,112 alleles (0.0025%); highest among the groups gnomAD compares: Admixed American, 0.02%; no homozygotes.

Submissions (2):

CeGaT Center for Human Genetics Tuebingen
Classification: Likely benign. Last evaluated: 2023-01-01. Review status: criteria provided, single submitter. Criteria: CeGaT Center For Human Genetics Tuebingen Variant Classification Criteria Version 2. Collection method: clinical testing. Allele origin: germline. Affected: yes. Observed: 3 variant alleles.
Comment: MASP1: BP4, BP7

Labcorp Genetics (formerly Invitae), Labcorp
Classification: Likely benign. Last evaluated: 2018-12-26. Review status: criteria provided, single submitter. Criteria: Invitae Variant Classification Sherloc (09022015). Collection method: clinical testing. Allele origin: germline.

NM_139125.4(MASP1):c.1587G>A (p.Ser529=)

Gene: MASP1 (MBL associated serine protease 1; minus strand). Cytogenetic location: 3q27.3.
Variant type: single nucleotide variant.
Coding change: c.1587G>A on transcript NM_139125.4 (MANE Select); coding-DNA position 1587, G replaced by A.
Protein change: p.Ser529=; no amino-acid change (serine 529 retained).
Molecular consequence: synonymous variant. On other transcripts: non-coding transcript variant (1), intron variant (1).
Genome position (GRCh38, 1-based): chr3:187,236,284, C>T on the plus strand (G>A on the coding strand, the complement: MASP1 is on the minus strand). VCF-style: chr3-187236284-C-T. GRCh37 (hg19) VCF-style: chr3-186954072-C-T.
Other names: c.1303+5197G>A (NM_001879.6).
Identifiers: ClinVar variation 718850 (VCV000718850.27), dbSNP rs372488679, ClinGen allele CA2749226.